The following is an entry in ClinVar:

ClinVar aggregate classification (germline): Uncertain significance (1 of 4 stars; one submission).

Conditions:
Long QT syndrome (LQTS). Identifiers: MedGen C0023976, MeSH D008133, MONDO:0002442. Disease mechanism: loss of function. Inheritance: Various modes of inheritance.

gnomAD v4.1: 1 of 1,613,896 alleles (0.000062%); highest among the groups gnomAD compares: Non-Finnish European, 0.000085%; no homozygotes.

Submission:

Labcorp Genetics (formerly Invitae), Labcorp
Classification: Uncertain significance for Long QT syndrome. Last evaluated: 2025-12-08. Review status: criteria provided, single submitter. Criteria: Invitae Variant Classification Sherloc (09022015). Collection method: clinical testing. Allele origin: germline.
Comment: This sequence change replaces lysine, which is basic and polar, with threonine, which is neutral and polar, at codon 1509 of the AKAP9 protein (p.Lys1509Thr). This variant is not present in population databases (gnomAD no frequency). This variant has not been reported in the literature in individuals affected with AKAP9-related conditions. ClinVar contains an entry for this variant (Variation ID: 3716384). An algorithm developed to predict the effect of missense changes on protein structure and function outputs the following: PolyPhen-2: "Possibly Damaging". The threonine amino acid residue is found in multiple mammalian species, which suggests that this missense change does not adversely affect protein function. In summary, the available evidence is currently insufficient to determine the role of this variant in disease. Therefore, it has been classified as a Variant of Uncertain Significance.

NM_005751.5(AKAP9):c.4526A>C (p.Lys1509Thr)

Gene: AKAP9 (A-kinase anchoring protein 9; plus strand). Cytogenetic location: 7q21.2.
Variant type: single nucleotide variant.
Coding change: c.4526A>C on transcript NM_005751.5 (MANE Select); coding-DNA position 4526, A replaced by C.
Protein change: p.Lys1509Thr; replaces lysine 1509 with threonine.
Molecular consequence: missense variant.
Genome position (GRCh38, 1-based): chr7:92,038,606, A>C. VCF-style: chr7-92038606-A-C. GRCh37 (hg19) VCF-style: chr7-91667920-A-C.
Other names: c.4526A>C, p.Lys1509Thr (NM_147185.3); short protein forms K1509T.
Identifiers: ClinVar variation 3716384 (VCV003716384.2).